The following is an entry in ClinVar:

ClinVar aggregate classification (germline): Uncertain significance (1 of 4 stars; one submission).

Submission:

GeneDx
Classification: Uncertain significance. Last evaluated: 2024-07-01. Review status: criteria provided, single submitter. Criteria: GeneDx Variant Classification Process June 2021. Collection method: clinical testing. Allele origin: germline. Affected: yes.
Comment: Not observed at significant frequency in large population cohorts (gnomAD); In silico analysis indicates that this missense variant does not alter protein structure/function; Has not been previously published as pathogenic or benign to our knowledge

NM_001083619.3(GRIA2):c.1261A>G (p.Ile421Val)

Gene: GRIA2 (glutamate ionotropic receptor AMPA type subunit 2; plus strand). Cytogenetic location: 4q32.1.
Variant type: single nucleotide variant.
Coding change: c.1261A>G on transcript NM_001083619.3 (MANE Select); coding-DNA position 1261, A replaced by G.
Protein change: p.Ile421Val; replaces isoleucine 421 with valine.
Molecular consequence: missense variant.
Genome position (GRCh38, 1-based): chr4:157,334,115, A>G. VCF-style: chr4-157334115-A-G. GRCh37 (hg19) VCF-style: chr4-158255267-A-G.
Other names: c.1261A>G, p.Ile421Val (NM_000826.6); c.1120A>G, p.Ile374Val (NM_001083620.3, NM_001379000.3, NM_001379001.3); short protein forms I421V, I374V.
Identifiers: ClinVar variation 3393809 (VCV003393809.1).